The following is an entry in ClinVar:

ClinVar aggregate classification (germline): Uncertain significance. Review status: criteria provided, multiple submitters, no conflicts (2 of 4 stars). 7 submissions from 7 submitters: Uncertain significance (7). Last evaluated 2025-09-19.

Conditions:
Inborn genetic diseases. Identifiers: MedGen C0950123, MeSH D030342.
Developmental and epileptic encephalopathy, 23 (DEE23). Also called: Epileptic encephalopathy, early infantile, 23. Identifiers: Orphanet 411986, MedGen C4014492, MONDO:0014371, OMIM 615859.

Allele frequency attached by ClinVar (database versions not stated): gnomAD 0.00005 and 0.00006; TOPMed 0.00005; gnomAD exomes 0.00007 and 0.00014; ExAC 0.00013.
gnomAD v4.1: 207 of 1,613,236 alleles (0.013%); highest among the groups gnomAD compares: Middle Eastern, 0.016%; no homozygotes.

Submissions (7):

Labcorp Genetics (formerly Invitae), Labcorp
Classification: Uncertain significance for Developmental and epileptic encephalopathy, 23. Last evaluated: 2025-09-19. Review status: criteria provided, single submitter. Criteria: Invitae Variant Classification Sherloc (09022015). Collection method: clinical testing. Allele origin: germline.
Comment: This sequence change replaces arginine, which is basic and polar, with histidine, which is basic and polar, at codon 231 of the DOCK7 protein (p.Arg231His). This variant is present in population databases (rs757667036, gnomAD 0.01%). This variant has not been reported in the literature in individuals affected with DOCK7-related conditions. ClinVar contains an entry for this variant (Variation ID: 806149). Invitae Evidence Modeling of protein sequence and biophysical properties (such as structural, functional, and spatial information, amino acid conservation, physicochemical variation, residue mobility, and thermodynamic stability) indicates that this missense variant is expected to disrupt DOCK7 protein function with a positive predictive value of 80%. In summary, the available evidence is currently insufficient to determine the role of this variant in disease. Therefore, it has been classified as a Variant of Uncertain Significance.

Blueprint Genetics
Classification: Uncertain significance. Last evaluated: 2024-10-10. Review status: criteria provided, single submitter. Criteria: ACMG Guidelines, 2015. Collection method: clinical testing. Allele origin: germline.

Genomic Medicine Center of Excellence, King Faisal Specialist Hospital and Research Centre
Classification: Uncertain significance for Developmental and epileptic encephalopathy, 23. Last evaluated: 2024-03-26. Review status: criteria provided, single submitter. Criteria: ACMG Guidelines, 2015. Collection method: clinical testing. Allele origin: germline.

Genome-Nilou Lab
Classification: Uncertain significance for Developmental and epileptic encephalopathy, 23. Last evaluated: 2023-04-11. Review status: criteria provided, single submitter. Criteria: ACMG Guidelines, 2015. Collection method: clinical testing. Allele origin: germline. Affected: no.

Ambry Genetics
Classification: Uncertain significance for Inborn genetic diseases. Last evaluated: 2023-01-25. Review status: criteria provided, single submitter. Criteria: Ambry Variant Classification Scheme 2023. Collection method: clinical testing. Allele origin: germline.

New York Genome Center
Classification: Uncertain significance for Developmental and epileptic encephalopathy, 23. Last evaluated: 2020-04-30. Review status: criteria provided, single submitter. Criteria: NYGC Assertion Criteria 2020. Collection method: clinical testing. Allele origin: germline. Observed: 1 heterozygote. Study: CSER-NYCKidSeq.
Comment: The heterozygous p.Arg231His missense variant identified in DOCK7 has not been reported in affected individuals in the literature. The variant has been reported in the ClinVar (ID: 8061490). The variant has 0.00006749 allele frequency in the gnomAD database (19 out of 281,526 heterozygous alleles) indicating that it is a rare allele in the general population. The variant affects an evolutionarily conserved residue and is predicted deleterious by a variety of in silico prediction tools. However, functional studies are required to evaluate the potential consequences of this variant on normal functioning of DOCK7-encoded protein. Based on the available evidence, the p.Arg231His variant in the DOCK7 gene is accessed as a variant of uncertain significance.

CeGaT Center for Human Genetics Tuebingen
Classification: Uncertain significance. Last evaluated: 2018-07-01. Review status: criteria provided, single submitter. Criteria: CeGaT Center For Human Genetics Tuebingen Variant Classification Criteria Version 2. Collection method: clinical testing. Allele origin: germline. Affected: yes. Observed: 1 variant allele.

NM_001367561.1(DOCK7):c.692G>A (p.Arg231His)

Gene: DOCK7 (dedicator of cytokinesis 7; minus strand). Cytogenetic location: 1p31.3.
Variant type: single nucleotide variant.
Coding change: c.692G>A on transcript NM_001367561.1 (MANE Select); coding-DNA position 692, G replaced by A.
Protein change: p.Arg231His; replaces arginine 231 with histidine.
Molecular consequence: missense variant.
Genome position (GRCh38, 1-based): chr1:62,648,146, C>T on the plus strand (G>A on the coding strand, the complement: DOCK7 is on the minus strand). VCF-style: chr1-62648146-C-T. GRCh37 (hg19) VCF-style: chr1-63113817-C-T.
Other names: c.692G>A (NM_033407.2); c.692G>A, p.Arg231His (NM_001271999.2, NM_001272000.2, NM_001272001.2 and 3 more transcripts); short protein forms R231H.
Identifiers: ClinVar variation 806149 (VCV000806149.52), dbSNP rs757667036, ClinGen allele CA887141.